The following is an entry in ClinVar:

NM_000063.6(C2):c.613C>T (p.Arg205Cys)

Gene: C2 (complement C2; plus strand). Cytogenetic location: 6p21.33.
Variant type: single nucleotide variant.
Coding change: c.613C>T on transcript NM_000063.6 (MANE Select); coding-DNA position 613, C replaced by T.
Protein change: p.Arg205Cys; replaces arginine 205 with cysteine.
Molecular consequence: missense variant. On other transcripts: synonymous variant (1).
Genome position (GRCh38, 1-based): chr6:31,933,780, C>T. VCF-style: chr6-31933780-C-T. GRCh37 (hg19) VCF-style: chr6-31901557-C-T.
Other names: c.217C>T, p.Arg73Cys (NM_001145903.3); c.244C>T, p.Arg82Cys (NM_001178063.3); c.108C>T, p.Ala36= (NM_001282457.2); c.526C>T, p.Arg176Cys (NM_001282458.2); c.613C>T, p.Arg205Cys (NM_001282459.2); short protein forms R176C, R205C, R73C, R82C.
Identifiers: ClinVar variation 1699762 (VCV001699762.2), dbSNP rs770315100, ClinGen allele CA3727441.
Genomic context (GRCh38, chr6:31,933,780, plus strand): 5'-GGGTCTTCGGAGCGGGAGTGCCAGGGCAACGGGGTCTGGAGTGGAACGGAGCCCATCTGC[C>T]GCCGTGAGTAGCTGCCCTGCCCTCCTGAGATTCCTCGGCACACCCGGCCACTGCCCCGGC-3'
Protein context (NP_000054.2, residues 195-215): GVWSGTEPIC[Arg205Cys]QPYSYDFPED

ClinVar aggregate classification (germline): Uncertain significance (1 of 4 stars; one submission).

Allele frequency attached by ClinVar (database versions not stated): TOPMed below 0.00001; gnomAD exomes 0.00001 and 0.00002; ExAC 0.00002.
gnomAD v4.1: 21 of 1,613,810 alleles (0.0013%); highest among the groups gnomAD compares: Non-Finnish European, 0.0017%; no homozygotes.

Submission:

GeneDx
Classification: Uncertain significance. Last evaluated: 2022-01-26. Review status: criteria provided, single submitter. Criteria: GeneDx Variant Classification Process June 2021. Collection method: clinical testing. Allele origin: germline. Affected: yes.
Comment: In silico analysis supports that this missense variant has a deleterious effect on protein structure/function; Has not been previously published as pathogenic or benign to our knowledge